The following is an entry in ClinVar:

NM_006005.3(WFS1):c.1014C>G (p.Ile338Met)

Gene: WFS1 (wolframin ER transmembrane glycoprotein; plus strand). Cytogenetic location: 4p16.1.
Variant type: single nucleotide variant.
Coding change: c.1014C>G on transcript NM_006005.3 (MANE Select); coding-DNA position 1014, C replaced by G.
Protein change: p.Ile338Met; replaces isoleucine 338 with methionine.
Molecular consequence: missense variant.
Genome position (GRCh38, 1-based): chr4:6,300,809, C>G. VCF-style: chr4-6300809-C-G. GRCh37 (hg19) VCF-style: chr4-6302536-C-G.
Other names: c.1014C>G, p.Ile338Met (NM_001145853.1); short protein forms I338M.
Identifiers: ClinVar variation 1315718 (VCV001315718.4), dbSNP rs748353498, ClinGen allele CA2839192.

ClinVar aggregate classification (germline): Uncertain significance. Review status: criteria provided, multiple submitters, no conflicts (2 of 4 stars). 3 submissions from 3 submitters: Uncertain significance (3). Last evaluated 2023-07-19.

Conditions:
Wolfram syndrome 1 (WFS1). Identifiers: Orphanet 3463, MedGen C4551693, MONDO:0009101, OMIM 222300.

Allele frequency attached by ClinVar (database versions not stated): ExAC 0.00001.
gnomAD v4.1: 6 of 1,614,062 alleles (0.00037%); highest among the groups gnomAD compares: Non-Finnish European, 0.00051%; no homozygotes.

Submissions (3):

Blueprint Genetics
Classification: Uncertain significance. Last evaluated: 2023-07-19. Review status: criteria provided, single submitter. Criteria: ACMG Guidelines, 2015. Collection method: clinical testing. Allele origin: germline.

GeneDx
Classification: Uncertain significance. Last evaluated: 2020-07-02. Review status: criteria provided, single submitter. Criteria: GeneDx Variant Classification Process June 2021. Collection method: clinical testing. Allele origin: germline. Affected: yes.
Comment: Not observed at a significant frequency in large population cohorts (Lek et al., 2016); In silico analysis supports that this missense variant does not alter protein structure/function; Has not been previously published as pathogenic or benign to our knowledge

Clinical Genomics, Uppaluri K&H Personalized Medicine Clinic
Classification: Uncertain significance for Wolfram syndrome 1. Review status: criteria provided, single submitter. Criteria: K & H Uppaluri Personalized Medicine Clinic Variant Classification & Assertion Criteria_Updated V.1. Collection method: research. Allele origin: unknown. Inheritance: Autosomal recessive inheritance.
Comment: Potent mutations in WFS1 gene are associated with Wolfram's syndrome, an autosomal recessive condition, which cause diabetes mellitus, diabetes insipidus, deafness and optic atrophy.However no sufficient evidence is found to ascertain the role of this particular variant rs748353498 in Wolfram's syndrome yet.

Literature cited by the submitters: PubMed 20738327 (cited by Clinical Genomics, Uppaluri K&H Personalized Medicine Clinic); PubMed 33879153 (cited by Clinical Genomics, Uppaluri K&H Personalized Medicine Clinic); PubMed 12955714 (cited by Clinical Genomics, Uppaluri K&H Personalized Medicine Clinic); PubMed 18060660 (cited by Clinical Genomics, Uppaluri K&H Personalized Medicine Clinic); PubMed 20301750 (cited by Clinical Genomics, Uppaluri K&H Personalized Medicine Clinic); PubMed 17603484 (cited by Clinical Genomics, Uppaluri K&H Personalized Medicine Clinic).